The following is an entry in ClinVar:

ClinVar aggregate classification (germline): Uncertain significance. Review status: criteria provided, multiple submitters, no conflicts (2 of 4 stars). 3 submissions from 3 submitters: Uncertain significance (3). Last evaluated 2023-04-11.

Conditions:
Developmental and epileptic encephalopathy, 23 (DEE23). Also called: Epileptic encephalopathy, early infantile, 23. Identifiers: Orphanet 411986, MedGen C4014492, MONDO:0014371, OMIM 615859.
Inborn genetic diseases. Identifiers: MedGen C0950123, MeSH D030342.

Allele frequency attached by ClinVar (database versions not stated): gnomAD 0.00001; gnomAD exomes 0.00001 and 0.00003; TOPMed 0.00001; ExAC 0.00003.

Submissions (3):

Genome-Nilou Lab
Classification: Uncertain significance for Developmental and epileptic encephalopathy, 23. Last evaluated: 2023-04-11. Review status: criteria provided, single submitter. Criteria: ACMG Guidelines, 2015. Collection method: clinical testing. Allele origin: germline. Affected: no.

Labcorp Genetics (formerly Invitae), Labcorp
Classification: Uncertain significance for Developmental and epileptic encephalopathy, 23. Last evaluated: 2021-08-28. Review status: criteria provided, single submitter. Criteria: Invitae Variant Classification Sherloc (09022015). Collection method: clinical testing. Allele origin: germline.
Comment: This sequence change replaces arginine with cysteine at codon 179 of the DOCK7 protein (p.Arg179Cys). The arginine residue is moderately conserved and there is a large physicochemical difference between arginine and cysteine. This variant is present in population databases (rs767517486, ExAC 0.03%). This variant has not been reported in the literature in individuals affected with DOCK7-related conditions. Algorithms developed to predict the effect of missense changes on protein structure and function (SIFT, PolyPhen-2, Align-GVGD) all suggest that this variant is likely to be tolerated. In summary, the available evidence is currently insufficient to determine the role of this variant in disease. Therefore, it has been classified as a Variant of Uncertain Significance.

Ambry Genetics
Classification: Uncertain significance for Inborn genetic diseases. Last evaluated: 2021-07-20. Review status: criteria provided, single submitter. Criteria: Ambry Variant Classification Scheme 2023. Collection method: clinical testing. Allele origin: germline.

NM_001367561.1(DOCK7):c.535C>T (p.Arg179Cys)

Gene: DOCK7 (dedicator of cytokinesis 7; minus strand). Cytogenetic location: 1p31.3.
Variant type: single nucleotide variant.
Coding change: c.535C>T on transcript NM_001367561.1 (MANE Select); coding-DNA position 535, C replaced by T.
Protein change: p.Arg179Cys; replaces arginine 179 with cysteine.
Molecular consequence: missense variant.
Genome position (GRCh38, 1-based): chr1:62,648,303, G>A on the plus strand (C>T on the coding strand, the complement: DOCK7 is on the minus strand). VCF-style: chr1-62648303-G-A. GRCh37 (hg19) VCF-style: chr1-63113974-G-A.
Other names: c.535C>T, p.Arg179Cys (NM_001271999.2, NM_001272000.2, NM_001272001.2 and 3 more transcripts); c.535C>T (NM_033407.2); short protein forms R179C.
Identifiers: ClinVar variation 1059372 (VCV001059372.8), dbSNP rs767517486, ClinGen allele CA887165.